The following is an entry in ClinVar:

ClinVar aggregate classification (germline): Uncertain significance. Review status: criteria provided, multiple submitters, no conflicts (2 of 4 stars). 3 submissions from 3 submitters: Uncertain significance (3). Last evaluated 2026-04-01.

Conditions:
Complex neurodevelopmental disorder. Identifiers: Orphanet 528084, MedGen C5568766, MONDO:0100038.
Landau-Kleffner syndrome (FESD). Also called: APHASIA, ACQUIRED, WITH EPILEPSY; EPILEPSY, FOCAL, WITH SPEECH DISORDER AND WITH OR WITHOUT MENTAL RETARDATION. Identifiers: Orphanet 1945, Orphanet 725, Orphanet 98818, MedGen C0282512, MONDO:0009509, OMIM 245570.

Allele frequency attached by ClinVar (database versions not stated): TOPMed below 0.00001; gnomAD 0.00001.
gnomAD v4.1: 1 of 1,613,966 alleles (0.000062%); highest among the groups gnomAD compares: Non-Finnish European, 0.000085%; no homozygotes.

Submissions (3):

CeGaT Center for Human Genetics Tuebingen
Classification: Uncertain significance. Last evaluated: 2026-04-01. Review status: criteria provided, single submitter. Criteria: CeGaT Center For Human Genetics Tuebingen Variant Classification Criteria Version 2. Collection method: clinical testing. Allele origin: germline. Affected: yes. Observed: 1 variant allele.
Comment: GRIN2A: PM2, PS4:Moderate, BP4

Labcorp Genetics (formerly Invitae), Labcorp
Classification: Uncertain significance for Landau-Kleffner syndrome. Last evaluated: 2023-07-14. Review status: criteria provided, single submitter. Criteria: Invitae Variant Classification Sherloc (09022015). Collection method: clinical testing. Allele origin: germline.
Comment: This missense change has been observed in individual(s) with clinical features of GRIN2A-related conditions (PMID: 28109652). In summary, the available evidence is currently insufficient to determine the role of this variant in disease. Therefore, it has been classified as a Variant of Uncertain Significance. Advanced modeling of protein sequence and biophysical properties (such as structural, functional, and spatial information, amino acid conservation, physicochemical variation, residue mobility, and thermodynamic stability) performed at Invitae indicates that this missense variant is not expected to disrupt GRIN2A protein function. ClinVar contains an entry for this variant (Variation ID: 1373830). This variant is not present in population databases (gnomAD no frequency). This sequence change replaces arginine, which is basic and polar, with serine, which is neutral and polar, at codon 1376 of the GRIN2A protein (p.Arg1376Ser).

Illumina Laboratory Services, Illumina
Classification: Uncertain significance for Complex neurodevelopmental disorder. Last evaluated: 2023-01-24. Review status: criteria provided, single submitter. Criteria: ICSLVariantClassificationCriteria RUGD 01 April 2020. Collection method: clinical testing. Allele origin: unknown.
Comment: The GRIN2A c.4126C>A (p.Arg1376Ser) missense variant results in the substitution of arginine at amino acid position 1376 with serine. The variant did not segregate with the disorder in the family (PMID: 33240831). The c.4126C>A variant is reported in one allele at a frequency of 0.000015 in the European (non-Finnish) population of the Genome Aggregation Database (version 3.1.2). Based on the available evidence, the c.4126C>A (p.Arg1376Ser) variant is classified as a variant of uncertain significance for complex neurodevelopmental disorder.

Literature cited by the submitters: PubMed 28109652 (cited by Labcorp Genetics (formerly Invitae), Labcorp).

NM_001134407.3(GRIN2A):c.4126C>A (p.Arg1376Ser)

Gene: GRIN2A (glutamate ionotropic receptor NMDA type subunit 2A; minus strand). Cytogenetic location: 16p13.2.
Variant type: single nucleotide variant.
Coding change: c.4126C>A on transcript NM_001134407.3 (MANE Select); coding-DNA position 4126, C replaced by A.
Protein change: p.Arg1376Ser; replaces arginine 1376 with serine.
Molecular consequence: missense variant.
Genome position (GRCh38, 1-based): chr16:9,763,418, G>T on the plus strand (C>A on the coding strand, the complement: GRIN2A is on the minus strand). VCF-style: chr16-9763418-G-T. GRCh37 (hg19) VCF-style: chr16-9857275-G-T.
Other names: c.4126C>A, p.Arg1376Ser (NM_000833.5); c.3783C>A, p.Asn1261Lys (NM_001134408.2); short protein forms R1376S, N1261K.
Identifiers: ClinVar variation 1373830 (VCV001373830.11), dbSNP rs1426934537, ClinGen allele CA394706034.